The following is an entry in ClinVar:

ClinVar aggregate classification (germline): Likely pathogenic (1 of 4 stars; one submission).

Conditions:
Aromatase deficiency. Also called: PSEUDOHERMAPHRODITISM, FEMALE, DUE TO PLACENTAL AROMATASE DEFICIENCY; Increased aromatase activity. Identifiers: Orphanet 91, MedGen C1960539, MONDO:0013301, OMIM 613546.

Submission:

First Genomix Gene Laboratory, Genetic Diagnostics Department
Classification: Likely pathogenic for Aromatase deficiency. Last evaluated: 2025-08-29. Review status: criteria provided, single submitter. Criteria: ACMG Guidelines, 2015. Collection method: clinical testing. Allele origin: germline. Inheritance: Autosomal recessive inheritance. Affected: no. Observed: 1 variant allele.

NM_000103.4(CYP19A1):c.174_175dup (p.Leu59fs)

Genes: CYP19A1 (cytochrome P450 family 19 subfamily A member 1; minus strand), MIR4713HG (MIR4713 host gene; plus strand), PIRC66 (piwi-interacting RNA cluster 66; plus strand). Cytogenetic location: 15q21.2.
Variant type: Duplication.
Coding change: c.174_175dup on transcript NM_000103.4 (MANE Select); coding-DNA positions 174 to 175, 2 bases duplicated (CC; older notation c.174_175dupCC).
Protein change: p.Leu59fs; shifts the reading frame from leucine 59.
Molecular consequence: frameshift variant.
Genome position (GRCh38, 1-based): chr15:51,236,980-51,236,981, GG duplicated on the plus strand (CC on the coding strand, the reverse complement: CYP19A1 is on the minus strand); duplicating any 2 consecutive bases within chr15:51,236,980-51,236,983 gives the same sequence; the c. name uses the placement nearest the transcript's 3' end. VCF-style (leftmost placement, unchanged base first): chr15-51236979-A-AGG. GRCh37 (hg19) VCF-style: chr15-51529176-A-AGG.
Other names: c.174_175dupCC (NM_031226.3); c.174_175dup, p.Leu59fs (NM_001347252.2, NM_001347253.2, NM_001347254.2 and 7 more transcripts); short protein forms L59fs.
Identifiers: ClinVar variation 4850251 (VCV004850251.1).